The following is an entry in ClinVar:

NM_006073.4(TRDN):c.2073T>C (p.Cys691=)

Gene: TRDN (triadin; minus strand). Cytogenetic location: 6q22.31.
Variant type: single nucleotide variant.
Coding change: c.2073T>C on transcript NM_006073.4 (MANE Select); coding-DNA position 2073, T replaced by C.
Protein change: p.Cys691=; no amino-acid change (cysteine 691 retained).
Molecular consequence: synonymous variant.
Genome position (GRCh38, 1-based): chr6:123,218,718, A>G on the plus strand (T>C on the coding strand, the complement: TRDN is on the minus strand). VCF-style: chr6-123218718-A-G. GRCh37 (hg19) VCF-style: chr6-123539863-A-G.
Identifiers: ClinVar variation 515178 (VCV000515178.15), dbSNP rs776628762, ClinGen allele CA3983604.

ClinVar aggregate classification (germline): Likely benign. Review status: criteria provided, multiple submitters, no conflicts (2 of 4 stars). 3 submissions from 3 submitters: Likely benign (3). Last evaluated 2025-10-10.

Conditions:
Cardiovascular phenotype. Identifiers: MedGen CN230736.
Catecholaminergic polymorphic ventricular tachycardia 1. Also called: RYR2-Related Catecholaminergic Polymorphic Ventricular Tachycardia; VENTRICULAR TACHYCARDIA, CATECHOLAMINERGIC POLYMORPHIC, 1, WITH OR WITHOUT ATRIAL DYSFUNCTION AND/OR DILATED CARDIOMYOPATHY; VENTRICULAR TACHYCARDIA, STRESS-INDUCED POLYMORPHIC 1. Identifiers: Orphanet 3286, MedGen C1631597, MONDO:0011484, OMIM 604772.

Allele frequency attached by ClinVar (database versions not stated): gnomAD exomes 0.00001 and 0.00003; TOPMed 0.00001; ExAC 0.00002.
gnomAD v4.1: 5 of 1,580,366 alleles (0.00032%); highest among the groups gnomAD compares: Admixed American, 0.0092%; no homozygotes.

Submissions (3):

Labcorp Genetics (formerly Invitae), Labcorp
Classification: Likely benign for Catecholaminergic polymorphic ventricular tachycardia 1. Last evaluated: 2025-10-10. Review status: criteria provided, single submitter. Criteria: Invitae Variant Classification Sherloc (09022015). Collection method: clinical testing. Allele origin: germline.

GeneDx
Classification: Likely benign. Last evaluated: 2018-02-01. Review status: criteria provided, single submitter. Criteria: GeneDx Variant Classification (06012015). Collection method: clinical testing. Allele origin: germline. Affected: yes.
Comment: This variant is considered likely benign or benign based on one or more of the following criteria: it is a conservative change, it occurs at a poorly conserved position in the protein, it is predicted to be benign by multiple in silico algorithms, and/or has population frequency not consistent with disease.

Ambry Genetics
Classification: Likely benign for Cardiovascular phenotype. Last evaluated: 2017-09-25. Review status: criteria provided, single submitter. Criteria: Ambry Variant Classification Scheme 2023. Collection method: clinical testing. Allele origin: germline.